The following is an entry in ClinVar:

ClinVar aggregate classification (germline): Pathogenic. Review status: criteria provided, multiple submitters, no conflicts (2 of 4 stars). 2 submissions from 2 submitters: Pathogenic (2). Last evaluated 2026-09-06.

Conditions:
Hereditary cancer-predisposing syndrome. Also called: Neoplastic Syndromes, Hereditary; Hereditary Cancer Syndrome; Tumor predisposition; Hereditary neoplastic syndrome. Identifiers: Orphanet 140162, MedGen C0027672, MeSH D009386, MONDO:0015356.

Allele frequency attached by ClinVar (database versions not stated): gnomAD exomes below 0.00001.

Submissions (2):

Ambry Genetics
Classification: Pathogenic for Hereditary cancer-predisposing syndrome. Last evaluated: 2026-09-06. Review status: criteria provided, single submitter. Criteria: Ambry Variant Classification Scheme 2023. Collection method: clinical testing. Allele origin: germline.
Comment: The c.853dupA pathogenic mutation, located in coding exon 4 of the MSH6 gene, results from a duplication of A at nucleotide position 853, causing a translational frameshift with a predicted alternate stop codon (p.S285Kfs*2). This variant is considered to be rare based on population cohorts in the Genome Aggregation Database (gnomAD). This alteration is expected to result in loss of function by premature protein truncation or nonsense-mediated mRNA decay. As such, this alteration is interpreted as a disease-causing mutation.

GeneDx
Classification: Pathogenic. Last evaluated: 2015-06-22. Review status: criteria provided, single submitter. Criteria: GeneDx Variant Classification (06012015). Collection method: clinical testing. Allele origin: germline. Affected: yes.
Comment: This duplication of one nucleotide in MSH6 is denoted c.853dupA at the cDNA level and p.Ser285LysfsX2 (S285KfsX2) at the protein level. The normal sequence, with the base that is duplicated in braces, is GGAT[A]GTGA. The duplication causes a frameshift, which changes a Serine to a Lysine at codon 285, and creates a premature stop codon at position 2 of the new reading frame. Although this variant has not, to our knowledge, been reported in the literature, it is predicted to cause loss of normal protein function through either protein truncation or nonsense-mediated mRNA decay. we consider this variant to be pathogenic.

NM_000179.3(MSH6):c.853dup (p.Ser285fs)

Gene: MSH6 (mutS homolog 6; plus strand). Cytogenetic location: 2p16.3.
Variant type: Duplication.
Coding change: c.853dup on transcript NM_000179.3 (MANE Select); coding-DNA position 853, one base duplicated (A; older notation c.853dupA).
Protein change: p.Ser285fs; shifts the reading frame from serine 285.
Molecular consequence: frameshift variant. On other transcripts: 5 prime UTR variant (2).
Genome position (GRCh38, 1-based): chr2:47,798,836, A duplicated. VCF-style (leftmost placement, unchanged base first): chr2-47798835-T-TA. GRCh37 (hg19) VCF-style: chr2-48025974-T-TA.
Other names: c.463dup, p.Ser155fs (NM_001281492.2); c.-54dup (NM_001281493.2, NM_001281494.2); c.853dupA (NM_000179.2); short protein forms S285fs, S155fs.
Identifiers: ClinVar variation 419288 (VCV000419288.3), dbSNP rs1553412289, ClinGen allele CA16617638.